The following is an entry in ClinVar:

NM_138576.4(BCL11B):c.1967dup (p.Gly657fs)

Gene: BCL11B (BCL11 transcription factor B; minus strand). Cytogenetic location: 14q32.2.
Variant type: Duplication.
Coding change: c.1967dup on transcript NM_138576.4 (MANE Select); coding-DNA position 1967, one base duplicated (G; older notation c.1967dupG).
Protein change: p.Gly657fs; shifts the reading frame from glycine 657.
Molecular consequence: frameshift variant.
Genome position (GRCh38, 1-based): chr14:99,174,869, C duplicated on the plus strand (G on the coding strand, the reverse complement: BCL11B is on the minus strand); the first of 5 consecutive C bases (chr14:99,174,869-99,174,873); duplicating any one gives the same sequence. VCF-style (leftmost placement, unchanged base first): chr14-99174868-G-GC. GRCh37 (hg19) VCF-style: chr14-99641205-G-GC.
Other names: c.1964dup, p.Gly656fs (NM_001282237.2); c.1751dup, p.Gly585fs (NM_001282238.2); c.1754dup, p.Gly586fs (NM_022898.3); short protein forms G586fs, G656fs, G585fs, G657fs.
Identifiers: ClinVar variation 4731380 (VCV004731380.1).

ClinVar aggregate classification (germline): Uncertain significance (1 of 4 stars; one submission).

Submission:

Labcorp Genetics (formerly Invitae), Labcorp
Classification: Uncertain significance. Last evaluated: 2025-11-17. Review status: criteria provided, single submitter. Criteria: Invitae Variant Classification Sherloc (09022015). Collection method: clinical testing. Allele origin: germline.
Comment: This sequence change creates a premature translational stop signal (p.Gly657Argfs*228) in the BCL11B gene. While this is not anticipated to result in nonsense mediated decay, it is expected to disrupt the last 238 amino acid(s) of the BCL11B protein. The frequency data for this variant in the population databases is considered unreliable, as metrics indicate insufficient coverage at this position in the gnomAD database. This variant has not been reported in the literature in individuals affected with BCL11B-related conditions. Experimental studies and prediction algorithms are not available or were not evaluated, and the functional significance of this variant is currently unknown. In summary, the available evidence is currently insufficient to determine the role of this variant in disease. Therefore, it has been classified as a Variant of Uncertain Significance.